The following is an entry in ClinVar:

ClinVar aggregate classification (germline): Uncertain significance. Review status: criteria provided, multiple submitters, no conflicts (2 of 4 stars). 2 submissions from 2 submitters: Uncertain significance (2). Last evaluated 2023-09-29.

Allele frequency attached by ClinVar (database versions not stated): TOPMed 0.00001.

Submissions (2):

Blueprint Genetics
Classification: Uncertain significance. Last evaluated: 2023-09-29. Review status: criteria provided, single submitter. Criteria: ACMG Guidelines, 2015. Collection method: clinical testing. Allele origin: germline.

GeneDx
Classification: Uncertain significance. Last evaluated: 2016-02-03. Review status: criteria provided, single submitter. Criteria: GeneDx Variant Classification (06012015). Collection method: clinical testing. Allele origin: germline. Affected: yes.
Comment: The Q99R variant in the CLN8 gene has not been reported previously as a pathogenic variant, nor asa benign variant, to our knowledge. The Q99R variant was not observed in approximately 6500individuals of European and African American ancestry in the NHLBI Exome Sequencing Project,indicating it is not a common benign variant in these populations. The Q99R variant is asemi-conservative amino acid substitution, which may impact secondary protein structure as theseresidues differ in some properties. This substitution occurs at a position that is conserved acrossspecies and in silico analysis predicts this variant is probably damaging to the proteinstructure/function. We interpret Q99R as a variant of uncertain significance.

NM_018941.4(CLN8):c.296A>G (p.Gln99Arg)

Gene: CLN8 (CLN8 transmembrane ER and ERGIC protein; plus strand). Cytogenetic location: 8p23.3.
Variant type: single nucleotide variant.
Coding change: c.296A>G on transcript NM_018941.4 (MANE Select); coding-DNA position 296, A replaced by G.
Protein change: p.Gln99Arg; replaces glutamine 99 with arginine.
Molecular consequence: missense variant.
Genome position (GRCh38, 1-based): chr8:1,771,350, A>G. VCF-style: chr8-1771350-A-G. GRCh37 (hg19) VCF-style: chr8-1719516-A-G.
Other names: short protein forms Q99R.
Identifiers: ClinVar variation 420497 (VCV000420497.3), dbSNP rs1064794519, ClinGen allele CA16618617.